The following is an entry in ClinVar:

NM_181697.3(PRDX1):c.144_148del (p.Thr49fs)

Gene: PRDX1 (peroxiredoxin 1; minus strand). Cytogenetic location: 1p34.1.
Variant type: Deletion.
Coding change: c.144_148del on transcript NM_181697.3 (MANE Select); coding-DNA positions 144 to 148, 5 bases deleted (CACCT; older notation c.144_148delCACCT).
Protein change: p.Thr49fs; shifts the reading frame from threonine 49.
Molecular consequence: frameshift variant.
Genome position (GRCh38, 1-based): chr1:45,515,766-45,515,770, AGGTG deleted on the plus strand (CACCT on the coding strand, the reverse complement: PRDX1 is on the minus strand); deleting any 5 consecutive bases within chr1:45,515,766-45,515,771 gives the same sequence; the c. name uses the placement nearest the transcript's 3' end. VCF-style (leftmost placement, unchanged base first): chr1-45515765-AAGGTG-A. GRCh37 (hg19) VCF-style: chr1-45981437-AAGGTG-A.
Other names: c.144_148del, p.Thr49fs (NM_001202431.2, NM_002574.4, NM_181696.3); short protein forms T49fs.
Identifiers: ClinVar variation 4886570 (VCV004886570.2).
Genomic context (GRCh38, chr1:45,515,765, plus strand): 5'-TTGAGTTTCTTAAATTCTTCTGCCCTATCACTGAAAGCAATGATCTCCGTGGGGCACACA[AAGGTG>A]AAGTCAAGAGGGTAAAAGAAGAACACAACATATTTTCCTGGGGGGAAAATCGGAGTCATG-3'

ClinVar aggregate classification (germline): Likely pathogenic (1 of 4 stars; one submission).

Submission:

Dasa
Classification: Likely pathogenic. Last evaluated: 2025-11-08. Review status: criteria provided, single submitter. Criteria: DASA Assertion Criteria. Collection method: clinical testing. Allele origin: germline.
Comment: NM_181697.3(PRDX1):c.144_148del (p.Thr49Cysfs*11) is a frameshift variant in PRDX1 predicted to alter the reading frame and introduce a premature termination codon and is predicted to result in an absent or altered protein product. Loss of function is an established disease mechanism for PRDX1-associated disorders. Also, this variant is rare in population databases. Based on the currently available evidence, this variant is classified as likely pathogenic.